The following is an entry in ClinVar:

NM_004341.5(CAD):c.92C>T (p.Thr31Ile)

Gene: CAD (carbamoyl-phosphate synthetase 2, aspartate transcarbamylase, and dihydroorotase; plus strand). Cytogenetic location: 2p23.3.
Variant type: single nucleotide variant.
Coding change: c.92C>T on transcript NM_004341.5 (MANE Select); coding-DNA position 92, C replaced by T.
Protein change: p.Thr31Ile; replaces threonine 31 with isoleucine.
Molecular consequence: missense variant.
Genome position (GRCh38, 1-based): chr2:27,217,886, C>T. VCF-style: chr2-27217886-C-T. GRCh37 (hg19) VCF-style: chr2-27440754-C-T.
Other names: c.92C>T, p.Thr31Ile (NM_001306079.2); short protein forms T31I.
Identifiers: ClinVar variation 1388279 (VCV001388279.8), dbSNP rs1035550712, ClinGen allele CA44487451.
Genomic context (GRCh38, chr2:27,217,886, plus strand): 5'-AGTGTTCCGAAGGGTGCCCTACCGGAGCCCAGCCCTGCTTCTTTCTTGCAGTGTTTCAAA[C>T]CGGCATGGTCGGCTACCCCGAGGCCCTCACTGATCCCTCCTACAAGGCACAGATCTTAGT-3'
Protein context (NP_004332.2, residues 21-41): VSTAGEVVFQ[Thr31Ile]GMVGYPEALT

ClinVar aggregate classification (germline): Uncertain significance (1 of 4 stars; one submission).

gnomAD v4.1: 3 of 1,603,300 alleles (0.00019%); highest among the groups gnomAD compares: Non-Finnish European, 0.00017%; no homozygotes.

Submission:

Labcorp Genetics (formerly Invitae), Labcorp
Classification: Uncertain significance. Last evaluated: 2024-10-16. Review status: criteria provided, single submitter. Criteria: Invitae Variant Classification Sherloc (09022015). Collection method: clinical testing. Allele origin: germline.
Comment: This sequence change replaces threonine, which is neutral and polar, with isoleucine, which is neutral and non-polar, at codon 31 of the CAD protein (p.Thr31Ile). This variant is not present in population databases (gnomAD no frequency). This variant has not been reported in the literature in individuals affected with CAD-related conditions. ClinVar contains an entry for this variant (Variation ID: 1388279). Invitae Evidence Modeling of protein sequence and biophysical properties (such as structural, functional, and spatial information, amino acid conservation, physicochemical variation, residue mobility, and thermodynamic stability) indicates that this missense variant is expected to disrupt CAD protein function with a positive predictive value of 80%. In summary, the available evidence is currently insufficient to determine the role of this variant in disease. Therefore, it has been classified as a Variant of Uncertain Significance.